The following is an entry in ClinVar:

ClinVar aggregate classification (germline): Uncertain significance (1 of 4 stars; one submission).

Allele frequency attached by ClinVar (database versions not stated): gnomAD 0.00001; gnomAD exomes 0.00001; TOPMed 0.00001.

Submission:

Labcorp Genetics (formerly Invitae), Labcorp
Classification: Uncertain significance. Last evaluated: 2023-03-19. Review status: criteria provided, single submitter. Criteria: Invitae Variant Classification Sherloc (09022015). Collection method: clinical testing. Allele origin: germline.
Comment: In summary, the available evidence is currently insufficient to determine the role of this variant in disease. Therefore, it has been classified as a Variant of Uncertain Significance. Variants that disrupt the consensus splice site are a relatively common cause of aberrant splicing (PMID: 17576681, 9536098). Algorithms developed to predict the effect of sequence changes on RNA splicing suggest that this variant is not likely to affect RNA splicing. This variant has not been reported in the literature in individuals affected with KRT5-related conditions. This variant is present in population databases (no rsID available, gnomAD 0.0009%). This sequence change falls in intron 7 of the KRT5 gene. It does not directly change the encoded amino acid sequence of the KRT5 protein. It affects a nucleotide within the consensus splice site.

Literature cited by the submitters: PubMed 17576681; PubMed 9536098.

NM_000424.4(KRT5):c.1439+6T>C

Genes: KRT5 (keratin 5; minus strand), LOC126861525 (BRD4-independent group 4 enhancer GRCh37_chr12:52909857-52911056; plus strand). Cytogenetic location: 12q13.13.
Variant type: single nucleotide variant.
Coding change: c.1439+6T>C on transcript NM_000424.4 (MANE Select); 6 bases into the intron after coding-DNA position 1439, T replaced by C.
Molecular consequence: intron variant.
Genome position (GRCh38, 1-based): chr12:52,516,631, A>G on the plus strand (T>C on the coding strand, the complement: KRT5 is on the minus strand). VCF-style: chr12-52516631-A-G. GRCh37 (hg19) VCF-style: chr12-52910415-A-G.
Identifiers: ClinVar variation 2919082 (VCV002919082.3), dbSNP rs1375114658, ClinGen allele CA605240698.